The following is an entry in ClinVar:

NM_000271.5(NPC1):c.425_428dup (p.Leu144fs)

Gene: NPC1 (NPC intracellular cholesterol transporter 1; minus strand). Cytogenetic location: 18q11.2.
Variant type: Duplication.
Coding change: c.425_428dup on transcript NM_000271.5 (MANE Select); coding-DNA positions 425 to 428, 4 bases duplicated (AAGA; older notation c.425_428dupAAGA).
Protein change: p.Leu144fs; shifts the reading frame from leucine 144.
Molecular consequence: frameshift variant.
Genome position (GRCh38, 1-based): chr18:23,568,858-23,568,861, TCTT duplicated on the plus strand (AAGA on the coding strand, the reverse complement: NPC1 is on the minus strand); duplicating any 4 consecutive bases within chr18:23,568,858-23,568,863 gives the same sequence; the c. name uses the placement nearest the transcript's 3' end. VCF-style (leftmost placement, unchanged base first): chr18-23568857-C-CTCTT. GRCh37 (hg19) VCF-style: chr18-21148821-C-CTCTT.
Other names: short protein forms L144fs.
Identifiers: ClinVar variation 4818071 (VCV004818071.1).

ClinVar aggregate classification (germline): Likely pathogenic (1 of 4 stars; one submission).

Conditions:
Niemann-Pick disease, type C1. Also called: NIEMANN-PICK DISEASE, VARIANT TYPE C1; NEUROVISCERAL STORAGE DISEASE WITH VERTICAL SUPRANUCLEAR OPHTHALMOPLEGIA; NIEMANN-PICK DISEASE WITH CHOLESTEROL ESTERIFICATION BLOCK; NIEMANN-PICK DISEASE WITHOUT SPHINGOMYELINASE DEFICIENCY; NIEMANN-PICK DISEASE, CHRONIC NEURONOPATHIC FORM. Identifiers: Orphanet 646, MedGen C3179455, MONDO:0009757, OMIM 257220.

Submission:

Natera, Inc.
Classification: Likely pathogenic for Niemann-Pick disease type C1. Last evaluated: 2025-10-06. Review status: criteria provided, single submitter. Criteria: Natera Variant Classification Schema (03/2026). Collection method: clinical testing. Allele origin: germline.
Comment: The c.425_428dup variant in NPC1 is a frameshift variant predicted to shift the reading frame beginning at codon 144 and leads to a stop codon 27 codons downstream. This variant is expected to result in nonsense mediated decay, truncation, or a dysfunctional protein product. This variant is rare in the general population with a frequency below the threshold expected for the associated phenotype(s). Given the available evidence, this variant is classified as Likely Pathogenic.